The following is an entry in ClinVar:

NM_201384.3(PLEC):c.11157G>A (p.Val3719=)

Gene: PLEC (plectin; minus strand). Cytogenetic location: 8q24.3.
Variant type: single nucleotide variant.
Coding change: c.11157G>A on transcript NM_201384.3 (MANE Select); coding-DNA position 11157, G replaced by A.
Protein change: p.Val3719=; no amino-acid change (valine 3719 retained).
Molecular consequence: synonymous variant.
Genome position (GRCh38, 1-based): chr8:143,918,664, C>T on the plus strand (G>A on the coding strand, the complement: PLEC is on the minus strand). VCF-style: chr8-143918664-C-T. GRCh37 (hg19) VCF-style: chr8-144992832-C-T.
Other names: c.11238G>A, p.Val3746= (NM_000445.5); c.11115G>A, p.Val3705= (NM_201378.4); c.11091G>A, p.Val3697= (NM_201379.3); c.11568G>A, p.Val3856= (NM_201380.4); c.11061G>A, p.Val3687= (NM_201381.3); c.11157G>A, p.Val3719= (NM_201382.4); c.11169G>A, p.Val3723= (NM_201383.3).
Identifiers: ClinVar variation 515116 (VCV000515116.33), dbSNP rs781902568, ClinGen allele CA4924420.
Genomic context (GRCh38, chr8:143,918,664, plus strand): 5'-CCCCTTCACCGGGTCCAGCAGGAAGCCTGTGGCTGCCTGTGCCTCCAGCAGCAGGCGGGC[C>T]ACCTCGGCACTCAGCAGCCCTTTCTTGAGAGCCTGGTAGATGCTCAGTGTCTGCCTGGAA-3'
Protein context (NP_958786.1, residues 3709-3729): ALKKGLLSAE[Val3719=]ARLLLEAQAA

ClinVar aggregate classification (germline): Likely benign. Review status: criteria provided, multiple submitters, no conflicts (2 of 4 stars). 3 submissions from 3 submitters: Likely benign (3). Last evaluated 2026-01-01.

Conditions:
Epidermolysis bullosa simplex 5C, with pyloric atresia (EBS5C). Also called: PLEC-Related Epidermolysis Bullosa with Pyloric Atresia; Epidermolysis bullosa simplex with pyloric atresia; PLEC1-Related Epidermolysis Bullosa with Pyloric Atresia. Identifiers: Orphanet 158684, MedGen C2677349, MONDO:0012807, OMIM 612138.
Epidermolysis bullosa simplex, Ogna type (EBS5A). Also called: Pidermolysis bullosa simplex 5A, Ogna type; EPIDERMOLYSIS BULLOSA SIMPLEX 5A, OGNA TYPE. Identifiers: Orphanet 79401, MedGen C0432317, MONDO:0007555, OMIM 131950.
Autosomal recessive limb-girdle muscular dystrophy type 2Q (LGMDR17). Also called: MUSCULAR DYSTROPHY, LIMB-GIRDLE, AUTOSOMAL RECESSIVE 17. Identifiers: Orphanet 254361, MedGen C3150989, MONDO:0013390, OMIM 613723.
Epidermolysis bullosa simplex with nail dystrophy (EBS5D). Identifiers: MedGen C4225309, MONDO:0014661, OMIM 616487.
Epidermolysis bullosa simplex 5B, with muscular dystrophy (EBS5B). Also called: Epidermolysis bullosa simplex with muscular dystrophy; EPIDERMOLYSIS BULLOSA SIMPLEX AND LIMB-GIRDLE MUSCULAR DYSTROPHY. Identifiers: Orphanet 257, MedGen C2931072, MONDO:0009181, OMIM 226670.

Allele frequency attached by ClinVar (database versions not stated): gnomAD 0.00002 and 0.00003; gnomAD exomes 0.00004; TOPMed 0.00004; ExAC 0.00005.
gnomAD v4.1: 61 of 1,612,758 alleles (0.0038%); highest among the groups gnomAD compares: Non-Finnish European, 0.0048%; no homozygotes.

Submissions (3):

CeGaT Center for Human Genetics Tuebingen
Classification: Likely benign. Last evaluated: 2026-01-01. Review status: criteria provided, single submitter. Criteria: CeGaT Center For Human Genetics Tuebingen Variant Classification Criteria Version 2. Collection method: clinical testing. Allele origin: germline. Affected: yes. Observed: 2 variant alleles.
Comment: PLEC: BP4, BP7

Labcorp Genetics (formerly Invitae), Labcorp
Classification: Likely benign for Autosomal recessive limb-girdle muscular dystrophy type 2Q; Epidermolysis bullosa simplex, Ogna type; Epidermolysis bullosa simplex with nail dystrophy; Epidermolysis bullosa simplex 5C, with pyloric atresia; Epidermolysis bullosa simplex 5B, with muscular dystrophy. Last evaluated: 2025-10-13. Review status: criteria provided, single submitter. Criteria: Invitae Variant Classification Sherloc (09022015). Collection method: clinical testing. Allele origin: germline.

GeneDx
Classification: Likely benign. Last evaluated: 2018-02-06. Review status: criteria provided, single submitter. Criteria: GeneDx Variant Classification (06012015). Collection method: clinical testing. Allele origin: germline. Affected: yes.
Comment: This variant is considered likely benign or benign based on one or more of the following criteria: it is a conservative change, it occurs at a poorly conserved position in the protein, it is predicted to be benign by multiple in silico algorithms, and/or has population frequency not consistent with disease.